The following is an entry in ClinVar:

NM_153046.3(TDRD9):c.1103T>C (p.Met368Thr)

Gene: TDRD9 (tudor domain containing 9; plus strand). Cytogenetic location: 14q32.33.
Variant type: single nucleotide variant.
Coding change: c.1103T>C on transcript NM_153046.3 (MANE Select); coding-DNA position 1103, T replaced by C.
Protein change: p.Met368Thr; replaces methionine 368 with threonine.
Molecular consequence: missense variant.
Genome position (GRCh38, 1-based): chr14:103,986,308, T>C. VCF-style: chr14-103986308-T-C. GRCh37 (hg19) VCF-style: chr14-104452645-T-C.
Other names: short protein forms M368T.
Identifiers: ClinVar variation 3049822 (VCV003049822.2), dbSNP rs540412831, ClinGen allele CA7368365.

ClinVar aggregate classification (germline): Likely benign (0 of 4 stars; one submission).

Conditions:
TDRD9-related disorder. Also called: TDRD9-related condition.

Allele frequency attached by ClinVar (database versions not stated): TOPMed 0.00008; gnomAD 0.00058; gnomAD exomes 0.00088; ExAC 0.00236; 1000 Genomes Project 30x 0.00468; 1000 Genomes Project 0.00499.
gnomAD v4.1: 1,382 of 1,609,798 alleles (0.086%); highest among the groups gnomAD compares: South Asian, 1.4%; 23 homozygotes.

Submission:

PreventionGenetics, part of Exact Sciences
Classification: Likely benign for TDRD9-related condition. Last evaluated: 2019-02-20. Review status: no assertion criteria provided. Collection method: clinical testing. Allele origin: germline.
Comment: This variant is classified as likely benign based on ACMG/AMP sequence variant interpretation guidelines (Richards et al. 2015 PMID: 25741868, with internal and published modifications).